The following is an entry in ClinVar:

NM_145207.3(AFG2A):c.1523C>T (p.Ala508Val)

Gene: AFG2A (AFG2 AAA ATPase homolog A; plus strand). Cytogenetic location: 4q28.1.
Variant type: single nucleotide variant.
Coding change: c.1523C>T on transcript NM_145207.3 (MANE Select); coding-DNA position 1523, C replaced by T.
Protein change: p.Ala508Val; replaces alanine 508 with valine.
Molecular consequence: missense variant.
Genome position (GRCh38, 1-based): chr4:122,947,297, C>T. VCF-style: chr4-122947297-C-T. GRCh37 (hg19) VCF-style: chr4-123868452-C-T.
Other names: c.1520C>T, p.Ala507Val (NM_001317799.2, NM_001345856.2); short protein forms A507V, A508V.
Identifiers: ClinVar variation 1017279 (VCV001017279.2), dbSNP rs763950506, ClinGen allele CA3070483.

ClinVar aggregate classification (germline): Uncertain significance (1 of 4 stars; one submission).

Conditions:
Microcephaly-intellectual disability-sensorineural hearing loss-epilepsy-abnormal muscle tone syndrome (NEDHSB). Also called: NEURODEVELOPMENTAL DISORDER WITH HEARING LOSS, SEIZURES, AND BRAIN ABNORMALITIES. Identifiers: Orphanet 457351, MedGen C4225276, MONDO:0014698, OMIM 616577.

Allele frequency attached by ClinVar (database versions not stated): TOPMed below 0.00001; gnomAD 0.00001; gnomAD exomes 0.00001; ExAC 0.00002.
gnomAD v4.1: 6 of 1,612,988 alleles (0.00037%); highest among the groups gnomAD compares: South Asian, 0.0011%; no homozygotes.

Submission:

Labcorp Genetics (formerly Invitae), Labcorp
Classification: Uncertain significance for Microcephaly-intellectual disability-sensorineural hearing loss-epilepsy-abnormal muscle tone syndrome. Last evaluated: 2022-07-19. Review status: criteria provided, single submitter. Criteria: Invitae Variant Classification Sherloc (09022015). Collection method: clinical testing. Allele origin: germline.
Comment: This sequence change replaces alanine, which is neutral and non-polar, with valine, which is neutral and non-polar, at codon 508 of the SPATA5 protein (p.Ala508Val). This variant is present in population databases (rs763950506, gnomAD 0.002%). This variant has not been reported in the literature in individuals affected with SPATA5-related conditions. ClinVar contains an entry for this variant (Variation ID: 1017279). Advanced modeling of protein sequence and biophysical properties (such as structural, functional, and spatial information, amino acid conservation, physicochemical variation, residue mobility, and thermodynamic stability) performed at Invitae indicates that this missense variant is expected to disrupt SPATA5 protein function. In summary, the available evidence is currently insufficient to determine the role of this variant in disease. Therefore, it has been classified as a Variant of Uncertain Significance.